The following is an entry in ClinVar:

ClinVar aggregate classification (germline): Likely benign (0 of 4 stars; one submission).

Conditions:
EP300-related disorder. Also called: EP300-related condition; EP300-related disorders.

Submission:

PreventionGenetics, part of Exact Sciences
Classification: Likely benign for EP300-related condition. Last evaluated: 2024-06-21. Review status: no assertion criteria provided. Collection method: clinical testing. Allele origin: germline.
Comment: This variant is classified as likely benign based on ACMG/AMP sequence variant interpretation guidelines (Richards et al. 2015 PMID: 25741868, with internal and published modifications).

NM_001429.4(EP300):c.6531A>C (p.Ser2177=)

Gene: EP300 (E1A binding protein p300; plus strand). Cytogenetic location: 22q13.2.
Variant type: single nucleotide variant.
Coding change: c.6531A>C on transcript NM_001429.4 (MANE Select); coding-DNA position 6531, A replaced by C.
Protein change: p.Ser2177=; no amino-acid change (serine 2177 retained).
Molecular consequence: synonymous variant.
Genome position (GRCh38, 1-based): chr22:41,178,242, A>C. VCF-style: chr22-41178242-A-C. GRCh37 (hg19) VCF-style: chr22-41574246-A-C.
Other names: c.6453A>C, p.Ser2151= (NM_001362843.2).
Identifiers: ClinVar variation 3345304 (VCV003345304.1).
Genomic context (GRCh38, chr22:41,178,242, plus strand): 5'-CATGGGAGGGATGAGCCCCCAGGCTCAGCAGATGAACATGAACCACAACACCATGCCTTC[A>C]CAATTCCGAGACATCTTGAGACGACAGCAAATGATGCAACAGCAGCAGCAACAGGGAGCA-3'
Protein context (NP_001420.2, residues 2167-2187): QMNMNHNTMP[Ser2177=]QFRDILRRQQ